The following is an entry in ClinVar:

ClinVar aggregate classification (germline): Uncertain significance (1 of 4 stars; one submission).

Conditions:
Cardiovascular phenotype. Identifiers: MedGen CN230736.

Submission:

Ambry Genetics
Classification: Uncertain significance for Cardiovascular phenotype. Last evaluated: 2025-09-28. Review status: criteria provided, single submitter. Criteria: Ambry Variant Classification Scheme 2023. Collection method: clinical testing. Allele origin: germline.
Comment: The p.A2339D variant (also known as c.7016C>A), located in coding exon 26 of the APOB gene, results from a C to A substitution at nucleotide position 7016. The alanine at codon 2339 is replaced by aspartic acid, an amino acid with dissimilar properties. This amino acid position is poorly conserved in available vertebrate species. In addition, this alteration is predicted to be tolerated by in silico analysis. Since supporting evidence is limited at this time, the clinical significance of this alteration remains unclear.

NM_000384.3(APOB):c.7016C>A (p.Ala2339Asp)

Gene: APOB (apolipoprotein B; minus strand). Cytogenetic location: 2p24.1.
Variant type: single nucleotide variant.
Coding change: c.7016C>A on transcript NM_000384.3 (MANE Select); coding-DNA position 7016, C replaced by A.
Protein change: p.Ala2339Asp; replaces alanine 2339 with aspartic acid.
Molecular consequence: missense variant.
Genome position (GRCh38, 1-based): chr2:21,009,852, G>T on the plus strand (C>A on the coding strand, the complement: APOB is on the minus strand). VCF-style: chr2-21009852-G-T. GRCh37 (hg19) VCF-style: chr2-21232724-G-T.
Other names: short protein forms A2339D.
Identifiers: ClinVar variation 1756695 (VCV001756695.3), dbSNP rs767710457, ClinGen allele CA345999863.